The following is an entry in ClinVar:

ClinVar aggregate classification (germline): Uncertain significance (1 of 4 stars; one submission).

Conditions:
Lethal multiple pterygium syndrome (LMPS). Identifiers: Orphanet 33108, MedGen C1854678, MONDO:0009668, OMIM 253290.

Allele frequency attached by ClinVar (database versions not stated): TOPMed 0.00001; ExAC 0.00002; gnomAD 0.00002; gnomAD exomes 0.00002.

Submission:

Labcorp Genetics (formerly Invitae), Labcorp
Classification: Uncertain significance for Lethal multiple pterygium syndrome. Last evaluated: 2025-07-09. Review status: criteria provided, single submitter. Criteria: Invitae Variant Classification Sherloc (09022015). Collection method: clinical testing. Allele origin: germline.
Comment: This sequence change replaces leucine, which is neutral and non-polar, with proline, which is neutral and non-polar, at codon 313 of the CHRND protein (p.Leu313Pro). This variant is present in population databases (rs779609809, gnomAD 0.007%). This variant has not been reported in the literature in individuals affected with CHRND-related conditions. ClinVar contains an entry for this variant (Variation ID: 2062350). Invitae Evidence Modeling of protein sequence and biophysical properties (such as structural, functional, and spatial information, amino acid conservation, physicochemical variation, residue mobility, and thermodynamic stability) indicates that this missense variant is expected to disrupt CHRND protein function with a positive predictive value of 95%. In summary, the available evidence is currently insufficient to determine the role of this variant in disease. Therefore, it has been classified as a Variant of Uncertain Significance.

NM_000751.3(CHRND):c.938T>C (p.Leu313Pro)

Gene: CHRND (cholinergic receptor nicotinic delta subunit; plus strand). Cytogenetic location: 2q37.1.
Variant type: single nucleotide variant.
Coding change: c.938T>C on transcript NM_000751.3 (MANE Select); coding-DNA position 938, T replaced by C.
Protein change: p.Leu313Pro; replaces leucine 313 with proline.
Molecular consequence: missense variant.
Genome position (GRCh38, 1-based): chr2:232,531,547, T>C. VCF-style: chr2-232531547-T-C. GRCh37 (hg19) VCF-style: chr2-233396257-T-C.
Other names: c.893T>C, p.Leu298Pro (NM_001256657.2); c.356T>C, p.Leu119Pro (NM_001311195.2); c.635T>C, p.Leu212Pro (NM_001311196.2); short protein forms L313P, L212P, L298P, L119P.
Identifiers: ClinVar variation 2062350 (VCV002062350.4), dbSNP rs779609809, ClinGen allele CA2168210.
Genomic context (GRCh38, chr2:232,531,547, plus strand): 5'-TCACCCTGCTTGCCAGCCCAGCCCTGGGAGCTCCAAGCTGAGTGTTTGCCCACAGGTTCC[T>C]GCTCTTCGGCATGGTGCTGGTCACCATGGTTGTGGTGATCTGTGTCATCGTGCTCAACAT-3'
Protein context (NP_000742.1, residues 303-323): SMAIPLIGKF[Leu313Pro]LFGMVLVTMV